The following is an entry in ClinVar:

ClinVar aggregate classification (germline): Likely benign (1 of 4 stars; one submission).

Allele frequency attached by ClinVar (database versions not stated): TOPMed below 0.00001.
gnomAD v4.1: 1 of 1,546,588 alleles (0.000065%); no homozygotes.

Submission:

CeGaT Center for Human Genetics Tuebingen
Classification: Likely benign. Last evaluated: 2023-10-01. Review status: criteria provided, single submitter. Criteria: CeGaT Center For Human Genetics Tuebingen Variant Classification Criteria Version 2. Collection method: clinical testing. Allele origin: germline. Affected: yes. Observed: 1 variant allele.
Comment: FAM149B1: BP4, BP7

NM_173348.2(FAM149B1):c.585T>C (p.Tyr195=)

Gene: FAM149B1 (family with sequence similarity 149 member B1; plus strand). Cytogenetic location: 10q22.2.
Variant type: single nucleotide variant.
Coding change: c.585T>C on transcript NM_173348.2 (MANE Select); coding-DNA position 585, T replaced by C.
Protein change: p.Tyr195=; no amino-acid change (tyrosine 195 retained).
Molecular consequence: synonymous variant.
Genome position (GRCh38, 1-based): chr10:73,208,661, T>C. VCF-style: chr10-73208661-T-C. GRCh37 (hg19) VCF-style: chr10-74968419-T-C.
Identifiers: ClinVar variation 2640584 (VCV002640584.24), dbSNP rs537255181, ClinGen allele CA470100275.